The following is an entry in ClinVar:

NM_000026.4(ADSL):c.1277G>A (p.Arg426His)

Gene: ADSL (adenylosuccinate lyase; plus strand). Cytogenetic location: 22q13.1.
Variant type: single nucleotide variant.
Coding change: c.1277G>A on transcript NM_000026.4 (MANE Select); coding-DNA position 1277, G replaced by A.
Protein change: p.Arg426His; replaces arginine 426 with histidine.
Molecular consequence: missense variant. On other transcripts: non-coding transcript variant (1), intron variant (1).
Genome position (GRCh38, 1-based): chr22:40,364,965, G>A. VCF-style: chr22-40364965-G-A. GRCh37 (hg19) VCF-style: chr22-40760969-G-A.
Other names: p.R426H:CGT>CAT; c.1085G>A, p.Arg362His (NM_001317923.2); c.1277G>A, p.Arg426His (NM_001363840.3); c.1191+600G>A (NM_001123378.3); short protein forms R426H, R362H.
Identifiers: ClinVar variation 2462 (VCV000002462.57), dbSNP rs119450941, ClinGen allele CA115565.

ClinVar aggregate classification (germline): Pathogenic. Review status: criteria provided, multiple submitters, no conflicts (2 of 4 stars). 24 submissions from 24 submitters: Pathogenic (21). 3 of the submissions do not count toward it. Last evaluated 2026-02-01.

Conditions:
ADSL-related disorder. Also called: ADSL-related condition.
Inborn genetic diseases. Identifiers: MedGen C0950123, MeSH D030342.
Adenylosuccinate lyase deficiency (ADSLD). Also called: ADSL DEFICIENCY. Identifiers: Orphanet 46, MedGen C0268126, MONDO:0007068, OMIM 103050.

Allele frequency attached by ClinVar (database versions not stated): gnomAD exomes 0.00020; TOPMed 0.00022; gnomAD 0.00023 and 0.00024; ExAC 0.00026.
gnomAD v4.1: 433 of 1,613,934 alleles (0.027%); highest among the groups gnomAD compares: Non-Finnish European, 0.034%; no homozygotes.

Submissions 1 to 14 of 24:

CeGaT Center for Human Genetics Tuebingen
Classification: Pathogenic. Last evaluated: 2026-02-01. Review status: criteria provided, single submitter. Criteria: CeGaT Center For Human Genetics Tuebingen Variant Classification Criteria Version 2. Collection method: clinical testing. Allele origin: germline. Affected: yes. Observed: 4 variant alleles.
Comment: ADSL: PM3:Very Strong, PM2, PS3:Supporting

Labcorp Genetics (formerly Invitae), Labcorp
Classification: Pathogenic for Adenylosuccinate lyase deficiency. Last evaluated: 2025-12-01. Review status: criteria provided, single submitter. Criteria: Invitae Variant Classification Sherloc (09022015). Collection method: clinical testing. Allele origin: germline.
Comment: This sequence change replaces arginine, which is basic and polar, with histidine, which is basic and polar, at codon 426 of the ADSL protein (p.Arg426His). The frequency data for this variant in the population databases is considered unreliable, as metrics indicate poor data quality at this position in the gnomAD database. This missense change has been observed in individuals with adenylosuccinate lyase deficiency (PMID: 10090474, 12833398, 16839792, 18524658, 25112391, 27504266). It has also been observed to segregate with disease in related individuals. ClinVar contains an entry for this variant (Variation ID: 2462). Invitae Evidence Modeling of protein sequence and biophysical properties (such as structural, functional, and spatial information, amino acid conservation, physicochemical variation, residue mobility, and thermodynamic stability) indicates that this missense variant is expected to disrupt ADSL protein function with a positive predictive value of 80%. Experimental studies have shown that this missense change affects ADSL function (PMID: 18524658, 20127976). For these reasons, this variant has been classified as Pathogenic.

Rady Children's Institute for Genomic Medicine, Rady Children's Hospital San Diego
Classification: Pathogenic for Adenylosuccinate lyase deficiency. Last evaluated: 2025-08-15. Review status: criteria provided, single submitter. Criteria: ACMG Guidelines, 2015. Collection method: clinical testing. Allele origin: germline. Affected: yes.
Comment: The c.1277G>A (p.Arg426His) variant affects a highly conserved amino acid and is predicted by multiple in silico tools to have a deleterious effect on protein function. This is a known Pathogenic variant that has been previously reported as a compound heterozygous and homozygous change in patients with adenylosuccinate lyase deficiency (PMID: 10090474, 12833398, 20127976, 27504266, 33648541). Functional studies indicate this variant may lead to reduced enzyme activity (PMID: 20127976). The c.1277G>A (p.Arg426His) variant is present in the latest version of the gnomAD population database at an allele frequency of 0.03% (433/1613934), and is absent in the homozygous state, thus is presumed to be rare. Based on the available evidence, c.1277G>A (p.Arg426His) is classified as Pathogenic.

Women's Health and Genetics/Laboratory Corporation of America, LabCorp
Classification: Pathogenic for Adenylosuccinate lyase deficiency. Last evaluated: 2024-08-21. Review status: criteria provided, single submitter. Criteria: LabCorp Variant Classification Summary - May 2015. Collection method: clinical testing. Allele origin: germline.
Comment: Variant summary: ADSL c.1277G>A (p.Arg426His) results in a non-conservative amino acid change located in the Adenylosuccinate lyase C-terminal domain (IPR019468) of the encoded protein sequence. Four of five in-silico tools predict a damaging effect of the variant on protein function. The variant allele was found at a frequency of 0.0002 in 251490 control chromosomes. This frequency is not significantly higher than estimated for a pathogenic variant in ADSL causing Adenylosuccinate Lyase Deficiency, allowing no conclusion about variant significance. c.1277G>A has been reported in the literature in multiple hompozygous and compound heterozygous individuals affected with Adenylosuccinate Lyase Deficiency (Edery_2003, Mouchegh_2007). These data indicate that the variant is very likely to be associated with disease. To our knowledge, no experimental evidence demonstrating an impact on protein function has been reported. The following publications have been ascertained in the context of this evaluation (PMID: 12833398, 17188615). ClinVar contains an entry for this variant (Variation ID: 2462). Based on the evidence outlined above, the variant was classified as pathogenic.

Blueprint Genetics
Classification: Pathogenic for ADSL-related disorders. Last evaluated: 2024-06-14. Review status: criteria provided, single submitter. Criteria: ACMG Guidelines, 2015. Collection method: clinical testing. Allele origin: germline. Affected: yes. Observed: 5 variant alleles.

Institute of Human Genetics, University of Leipzig Medical Center
Classification: Pathogenic for Adenylosuccinate lyase deficiency. Last evaluated: 2023-09-14. Review status: criteria provided, single submitter. Criteria: ACMG Guidelines, 2015. Collection method: clinical testing. Allele origin: unknown. Inheritance: Autosomal recessive inheritance. Affected: yes.
Comment: Criteria applied: PM3_VSTR,PM5,PM2_SUP,PP3

Revvity Omics, Revvity
Classification: Pathogenic for Adenylosuccinate lyase deficiency. Last evaluated: 2023-06-14. Review status: criteria provided, single submitter. Criteria: ACMG Guidelines, 2015. Collection method: clinical testing. Allele origin: germline.

Genetics Laboratory, UDIAT-Centre Diagnòstic, Hospital Universitari Parc Tauli
Classification: Pathogenic for adenylosuccinate lyase deficiency. Last evaluated: 2023-03-31. Review status: criteria provided, single submitter. Criteria: ACMG Guidelines, 2015. Collection method: clinical testing. Allele origin: unknown. Inheritance: Autosomal recessive inheritance. Affected: yes.
Comment: PS3_strong;PS4_strong;PM2_supporting;PM3_moderate;PP1_supporting;PP4_supporting

GeneDx
Classification: Pathogenic. Last evaluated: 2022-05-16. Review status: criteria provided, single submitter. Criteria: GeneDx Variant Classification Process June 2021. Collection method: clinical testing. Allele origin: germline. Affected: yes.
Comment: Published functional studies demonstrate reduced enzyme activity (Jurecka et al., 2008; Ray et al., 2013; Zikanova et al., 2010); In silico analysis supports that this missense variant has a deleterious effect on protein structure/function; This variant is associated with the following publications: (PMID: 20127976, 29655203, 31164858, 10958654, 23714113, 10888601, 10090474, 7334371, 18524658, 16839792, 23504561, 27504266, 12833398, 30609409, 31729379, 34426522, 34582790, 33497949, 31589614, 33648541)

Ambry Genetics
Classification: Pathogenic for Inborn genetic diseases. Last evaluated: 2021-08-02. Review status: criteria provided, single submitter. Criteria: Ambry Variant Classification Scheme 2023. Collection method: clinical testing. Allele origin: germline.
Comment: The c.1277G>A (p.R426H) alteration is located in exon 12 (coding exon 12) of the ADSL gene. This alteration results from a G to A substitution at nucleotide position 1277, causing the arginine (R) at amino acid position 426 to be replaced by a histidine (H). Based on data from the Genome Aggregation Database (gnomAD), the ADSL c.1277G>A alteration was observed in 0.02% (51/282896) of total alleles studied, with a frequency of 0.03% (42/129196) in the European (non-Finnish) subpopulation. This mutation is the most common mutation occurring in about 30% of affected individuals; it has been identified in the homozygous and compound heterozygous state in multiple individuals with adenylosuccinase deficiency (Ray, 2013; Jurecka, 2014; Donti, 2016; Mastrogiorgio, 2021). In vitro analysis demonstrated reduced thermal stability and ADSL activity (Kmoch, 2000; Zikanova, 2010). The p.R426H alteration is predicted to be deleterious by in silico analysis. Based on the available evidence, this alteration is classified as pathogenic.

Laboratoire Génétique Moléculaire, CHRU TOURS
Classification: Pathogenic. Last evaluated: 2021-03-31. Review status: criteria provided, single submitter. Criteria: ACMG Guidelines, 2015. Collection method: clinical testing. Allele origin: paternal. Affected: yes.

AiLife Diagnostics
Classification: Pathogenic. Last evaluated: 2020-06-17. Review status: criteria provided, single submitter. Criteria: ACMG Guidelines, 2015. Collection method: clinical testing. Allele origin: germline. Affected: yes. Observed: 1 variant allele.

Fulgent Genetics
Classification: Pathogenic for Adenylosuccinate lyase deficiency. Last evaluated: 2018-10-31. Review status: criteria provided, single submitter. Criteria: ACMG Guidelines, 2015. Collection method: clinical testing. Allele origin: unknown.

Athena Diagnostics
Classification: Pathogenic. Last evaluated: 2017-11-28. Review status: criteria provided, single submitter. Criteria: Athena Diagnostics Criteria. Collection method: clinical testing. Allele origin: germline.